The following is an entry in ClinVar:

ClinVar aggregate classification (germline): Pathogenic (1 of 4 stars; one submission).

Submission:

GeneDx
Classification: Pathogenic. Last evaluated: 2024-03-07. Review status: criteria provided, single submitter. Criteria: GeneDx Variant Classification Process June 2021. Collection method: clinical testing. Allele origin: germline. Affected: yes.
Comment: Nonsense variant predicted to result in protein truncation or nonsense mediated decay in a gene for which loss of function is a known mechanism of disease; Not observed at significant frequency in large population cohorts (gnomAD); Has not been previously published as pathogenic or benign to our knowledge

NM_001040142.2(SCN2A):c.2167C>T (p.Gln723Ter)

Gene: SCN2A (sodium voltage-gated channel alpha subunit 2; plus strand). Cytogenetic location: 2q24.3.
Variant type: single nucleotide variant.
Coding change: c.2167C>T on transcript NM_001040142.2 (MANE Select); coding-DNA position 2167, C replaced by T.
Protein change: p.Gln723Ter; replaces glutamine 723 with a stop codon.
Molecular consequence: nonsense.
Genome position (GRCh38, 1-based): chr2:165,331,347, C>T. VCF-style: chr2-165331347-C-T. GRCh37 (hg19) VCF-style: chr2-166187857-C-T.
Other names: c.2167C>T, p.Gln723Ter (NM_001040143.2, NM_001371246.1, NM_001371247.1 and 1 more transcripts); short protein forms Q723*.
Identifiers: ClinVar variation 3342714 (VCV003342714.1).